The following is an entry in ClinVar:

NC_000022.11:g.(?_28687897)_(28696997_?)del

Gene: CHEK2 (checkpoint kinase 2; minus strand). Cytogenetic location: 22q12.1.
Variant type: Deletion.
Identifiers: ClinVar variation 832285 (VCV000832285.9).

ClinVar aggregate classification (germline): Pathogenic (1 of 4 stars; one submission).

Conditions:
Familial cancer of breast. Also called: BREAST CANCER, FAMILIAL; Hereditary breast cancer; hereditary breast carcinoma. Identifiers: Orphanet 227535, MedGen C0346153, MONDO:0016419, OMIM 114480. Disease mechanism: loss of function.

Submission:

Labcorp Genetics (formerly Invitae), Labcorp
Classification: Pathogenic for Familial cancer of breast. Last evaluated: 2023-02-22. Review status: criteria provided, single submitter. Criteria: Invitae Variant Classification Sherloc (09022015). Collection method: clinical testing. Allele origin: germline.
Comment: This variant is a gross deletion of the genomic region encompassing exon(s) 10-15 of the CHEK2 gene, which includes the termination codon. This deletion extends beyond the assayed region for this gene and therefore may encompass additional genes. While this deletion is not anticipated to lead to nonsense mediated decay, it is expected to alter mRNA translation or result in a truncated protein product. This variant has not been reported in the literature in individuals affected with CHEK2-related conditions. This variant disrupts a region of the CHEK2 protein in which other variant(s) (exon 14-15 deletion) have been determined to be pathogenic (PMID: 12855706, 12909615, 18004398; Invitae). This suggests that this is a clinically significant region of the protein, and that variants that disrupt it are likely to be disease-causing. For these reasons, this variant has been classified as Pathogenic.

Literature cited by the submitters: PubMed 12855706; PubMed 12909615; PubMed 18004398.